The following is an entry in ClinVar:

NM_020937.4(FANCM):c.5305C>G (p.Gln1769Glu)

Gene: FANCM (FA complementation group M; plus strand). Cytogenetic location: 14q21.2.
Variant type: single nucleotide variant.
Coding change: c.5305C>G on transcript NM_020937.4 (MANE Select); coding-DNA position 5305, C replaced by G.
Protein change: p.Gln1769Glu; replaces glutamine 1769 with glutamic acid.
Molecular consequence: missense variant.
Genome position (GRCh38, 1-based): chr14:45,189,327, C>G. VCF-style: chr14-45189327-C-G. GRCh37 (hg19) VCF-style: chr14-45658530-C-G.
Other names: c.5227C>G, p.Gln1743Glu (NM_001308133.2); c.5305C>G (NM_020937.2); short protein forms Q1743E, Q1769E.
Identifiers: ClinVar variation 1021331 (VCV001021331.7), dbSNP rs1277570500, ClinGen allele CA389613265.

ClinVar aggregate classification (germline): Uncertain significance. Review status: criteria provided, multiple submitters, no conflicts (2 of 4 stars). 2 submissions from 2 submitters: Uncertain significance (2). Last evaluated 2025-08-18.

Conditions:
Fanconi anemia (FA). Also called: Fanconi's anemia. Identifiers: Orphanet 84, MedGen C0015625, MeSH D005199, MONDO:0019391.
Inborn genetic diseases. Identifiers: MedGen C0950123, MeSH D030342.

Allele frequency attached by ClinVar (database versions not stated): gnomAD exomes below 0.00001.
gnomAD v4.1: 1 of 1,613,640 alleles (0.000062%); highest among the groups gnomAD compares: Non-Finnish European, 0.000085%; no homozygotes.

Submissions (2):

Labcorp Genetics (formerly Invitae), Labcorp
Classification: Uncertain significance for Fanconi anemia. Last evaluated: 2025-08-18. Review status: criteria provided, single submitter. Criteria: Invitae Variant Classification Sherloc (09022015). Collection method: clinical testing. Allele origin: germline.
Comment: This sequence change replaces glutamine, which is neutral and polar, with glutamic acid, which is acidic and polar, at codon 1769 of the FANCM protein (p.Gln1769Glu). This variant is present in population databases (no rsID available, gnomAD 0.0009%). This variant has not been reported in the literature in individuals affected with FANCM-related conditions. ClinVar contains an entry for this variant (Variation ID: 1021331). An algorithm developed to predict the effect of missense changes on protein structure and function (PolyPhen-2) suggests that this variant is likely to be tolerated. In summary, the available evidence is currently insufficient to determine the role of this variant in disease. Therefore, it has been classified as a Variant of Uncertain Significance.

Ambry Genetics
Classification: Uncertain significance for Inborn genetic diseases. Last evaluated: 2024-12-09. Review status: criteria provided, single submitter. Criteria: Ambry Variant Classification Scheme 2023. Collection method: clinical testing. Allele origin: germline.
Comment: The p.Q1769E variant (also known as c.5305C>G), located in coding exon 20 of the FANCM gene, results from a C to G substitution at nucleotide position 5305. The glutamine at codon 1769 is replaced by glutamic acid, an amino acid with highly similar properties. This amino acid position is conserved. In addition, this alteration is predicted to be tolerated by in silico analysis. Based on the available evidence, the clinical significance of this variant remains unclear.